The following is an entry in ClinVar:

NM_004473.4(FOXE1):c.279C>T (p.Asn93=)

Gene: FOXE1 (forkhead box E1; plus strand). Cytogenetic location: 9q22.33.
Variant type: single nucleotide variant.
Coding change: c.279C>T on transcript NM_004473.4 (MANE Select); coding-DNA position 279, C replaced by T.
Protein change: p.Asn93=; no amino-acid change (asparagine 93 retained).
Molecular consequence: synonymous variant.
Genome position (GRCh38, 1-based): chr9:97,854,193, C>T. VCF-style: chr9-97854193-C-T. GRCh37 (hg19) VCF-style: chr9-100616475-C-T.
Identifiers: ClinVar variation 2659340 (VCV002659340.25), dbSNP rs150571747, ClinGen allele CA5149052.

ClinVar aggregate classification (germline): Likely benign. Review status: criteria provided, multiple submitters, no conflicts (2 of 4 stars). 2 submissions from 2 submitters: Likely benign (2). Last evaluated 2024-11-21.

Allele frequency attached by ClinVar (database versions not stated): 1000 Genomes Project 30x 0.00078; 1000 Genomes Project 0.00080; ExAC 0.00109; gnomAD 0.00113; ESP Exome Variant Server 0.00115; TOPMed 0.00151; gnomAD exomes 0.00191.
gnomAD v4.1: 2,946 of 1,613,114 alleles (0.18%); highest among the groups gnomAD compares: Middle Eastern, 0.3%; 9 homozygotes.

Submissions (2):

Blueprint Genetics
Classification: Likely benign. Last evaluated: 2024-11-21. Review status: criteria provided, single submitter. Criteria: ACMG Guidelines, 2015. Collection method: clinical testing. Allele origin: germline.

CeGaT Center for Human Genetics Tuebingen
Classification: Likely benign. Last evaluated: 2022-11-01. Review status: criteria provided, single submitter. Criteria: CeGaT Center For Human Genetics Tuebingen Variant Classification Criteria Version 2. Collection method: clinical testing. Allele origin: germline. Affected: yes. Observed: 2 variant alleles.
Comment: FOXE1: BP4, BP7, BS2